The following is an entry in ClinVar:

ClinVar aggregate classification (germline): Uncertain significance (1 of 4 stars; one submission).

Conditions:
Familial thoracic aortic aneurysm and aortic dissection (TAAD). Also called: Thoracic aortic aneurysms and dissections. Identifiers: Orphanet 91387, MedGen C4707243, MONDO:0019625.

Allele frequency attached by ClinVar (database versions not stated): TOPMed below 0.00001; gnomAD 0.00001.
gnomAD v4.1: 1 of 1,613,602 alleles (0.000062%); highest among the groups gnomAD compares: Non-Finnish European, 0.000085%; no homozygotes.

Submission:

Ambry Genetics
Classification: Uncertain significance for Familial thoracic aortic aneurysm and aortic dissection. Last evaluated: 2023-02-23. Review status: criteria provided, single submitter. Criteria: Ambry Variant Classification Scheme 2023. Collection method: clinical testing. Allele origin: germline.
Comment: The p.S493L variant (also known as c.1478C>T), located in coding exon 9 of the TGFBR1 gene, results from a C to T substitution at nucleotide position 1478. The serine at codon 493 is replaced by leucine, an amino acid with dissimilar properties. This amino acid position is conserved. In addition, this alteration is predicted to be deleterious by in silico analysis. Since supporting evidence is limited at this time, the clinical significance of this alteration remains unclear.

NM_004612.4(TGFBR1):c.1478C>T (p.Ser493Leu)

Gene: TGFBR1 (transforming growth factor beta receptor 1; plus strand). Cytogenetic location: 9q22.33.
Variant type: single nucleotide variant.
Coding change: c.1478C>T on transcript NM_004612.4 (MANE Select); coding-DNA position 1478, C replaced by T.
Protein change: p.Ser493Leu; replaces serine 493 with leucine.
Molecular consequence: missense variant. On other transcripts: non-coding transcript variant (4).
Genome position (GRCh38, 1-based): chr9:99,149,271, C>T. VCF-style: chr9-99149271-C-T. GRCh37 (hg19) VCF-style: chr9-101911553-C-T.
Other names: c.1271C>T, p.Ser424Leu (NM_001407432.1, NM_001407433.1, NM_001407434.1 and 8 more transcripts); c.1247C>T, p.Ser416Leu (NM_001407435.1, NM_001130916.3); c.1232C>T, p.Ser411Leu (NM_001407436.1); c.770C>T, p.Ser257Leu (NM_001407437.1); c.1001C>T, p.Ser334Leu (NM_001407438.1); c.1490C>T, p.Ser497Leu (NM_001306210.2); c.1322C>T, p.Ser441Leu (NM_001407416.1); c.1310C>T, p.Ser437Leu (NM_001407417.1); and 1 more; short protein forms S257L, S428L, S424L, S497L, S411L, S441L, S334L, S416L.
Identifiers: ClinVar variation 2451991 (VCV002451991.2), dbSNP rs1827903821, ClinGen allele CA374233787.